The following is an entry in ClinVar:

ClinVar aggregate classification (germline): Uncertain significance. Review status: criteria provided, multiple submitters, no conflicts (2 of 4 stars). 4 submissions from 4 submitters: Uncertain significance (4). Last evaluated 2025-06-20.

Conditions:
Arrhythmogenic right ventricular dysplasia 8 (ARVD8). Also called: Arrhythmogenic Right Ventricular Dysplasia/Cardiomyopathy 8; ARRHYTHMOGENIC RIGHT VENTRICULAR DYSPLASIA, FAMILIAL, 8; ARRHYTHMOGENIC RIGHT VENTRICULAR CARDIOMYOPATHY 8. Identifiers: MedGen C1843896, MONDO:0011831, OMIM 607450.
Arrhythmogenic cardiomyopathy with wooly hair and keratoderma. Also called: PALMOPLANTAR KERATODERMA WITH LEFT VENTRICULAR CARDIOMYOPATHY AND WOOLLY HAIR; Carvajal syndrome; Dilated cardiomyopathy with woolly hair and keratoderma; Arrhythmogenic cardiomyopathy with woolly hair and keratoderma. Identifiers: Orphanet 65282, MedGen C1854063, MONDO:0011581, OMIM 605676.
Cardiovascular phenotype. Identifiers: MedGen CN230736.
Cardiomyopathy (CMYO). Also called: Cardiomyopathies. Identifiers: Orphanet 167848, MedGen C0878544, MONDO:0004994, HP:0001638. Inheritance: Various modes of inheritance.

Allele frequency attached by ClinVar (database versions not stated): gnomAD exomes below 0.00001.
gnomAD v4.1: 1 of 1,613,834 alleles (0.000062%); highest among the groups gnomAD compares: Non-Finnish European, 0.000085%; no homozygotes.

Submissions (4):

Labcorp Genetics (formerly Invitae), Labcorp
Classification: Uncertain significance for Arrhythmogenic cardiomyopathy with wooly hair and keratoderma; Arrhythmogenic right ventricular dysplasia 8. Last evaluated: 2025-06-20. Review status: criteria provided, single submitter. Criteria: Invitae Variant Classification Sherloc (09022015). Collection method: clinical testing. Allele origin: germline.
Comment: This sequence change replaces threonine, which is neutral and polar, with isoleucine, which is neutral and non-polar, at codon 1115 of the DSP protein (p.Thr1115Ile). This variant is not present in population databases (gnomAD no frequency). This variant has not been reported in the literature in individuals affected with DSP-related conditions. ClinVar contains an entry for this variant (Variation ID: 923474). An algorithm developed to predict the effect of missense changes on protein structure and function (PolyPhen-2) suggests that this variant is likely to be disruptive. In summary, the available evidence is currently insufficient to determine the role of this variant in disease. Therefore, it has been classified as a Variant of Uncertain Significance.

Color Diagnostics, LLC DBA Color Health
Classification: Uncertain significance for Cardiomyopathy. Last evaluated: 2024-03-07. Review status: criteria provided, single submitter. Criteria: ACMG Guidelines, 2015. Collection method: clinical testing. Allele origin: germline.
Comment: This missense variant replaces threonine with isoleucine at codon 1115 of the DSP protein. Computational prediction suggests that this variant may not impact protein structure and function (internally defined REVEL score threshold <= 0.5, PMID: 27666373). To our knowledge, functional studies have not been reported for this variant. This variant has not been reported in individuals affected with cardiovascular disorders in the literature. This variant has not been identified in the general population by the Genome Aggregation Database (gnomAD). The available evidence is insufficient to determine the role of this variant in disease conclusively. Therefore, this variant is classified as a Variant of Uncertain Significance.

All of Us Research Program, National Institutes of Health
Classification: Uncertain significance for Arrhythmogenic cardiomyopathy with wooly hair and keratoderma. Last evaluated: 2023-03-28. Review status: criteria provided, single submitter. Criteria: ACMG Guidelines, 2015. Collection method: clinical testing. Allele origin: germline. Inheritance: Autosomal dominant inheritance. Observed: 1 variant allele, 1 heterozygote.
Comment: This study involves interpretation of variants in research participants for the purpose of population health screening. Participant phenotype was not available at the time of variant classification. Additional details can be found in publication PMID: 35346344, PMCID: PMC8962531

Ambry Genetics
Classification: Uncertain significance for Cardiovascular phenotype. Last evaluated: 2021-10-11. Review status: criteria provided, single submitter. Criteria: Ambry Variant Classification Scheme 2023. Collection method: clinical testing. Allele origin: germline.
Comment: The p.T1115I variant (also known as c.3344C>T), located in coding exon 23 of the DSP gene, results from a C to T substitution at nucleotide position 3344. The threonine at codon 1115 is replaced by isoleucine, an amino acid with similar properties. This amino acid position is conserved. In addition, the in silico prediction for this alteration is inconclusive. Since supporting evidence is limited at this time, the clinical significance of this alteration remains unclear.

NM_004415.4(DSP):c.3344C>T (p.Thr1115Ile)

Gene: DSP (desmoplakin; plus strand). Cytogenetic location: 6p24.3.
Variant type: single nucleotide variant.
Coding change: c.3344C>T on transcript NM_004415.4 (MANE Select); coding-DNA position 3344, C replaced by T.
Protein change: p.Thr1115Ile; replaces threonine 1115 with isoleucine.
Molecular consequence: missense variant.
Genome position (GRCh38, 1-based): chr6:7,579,534, C>T. VCF-style: chr6-7579534-C-T. GRCh37 (hg19) VCF-style: chr6-7579767-C-T.
Other names: c.3344C>T, p.Thr1115Ile (NM_001008844.3, NM_001319034.2); short protein forms T1115I.
Identifiers: ClinVar variation 923474 (VCV000923474.12), dbSNP rs1393151720, ClinGen allele CA362683747.